The following is an entry in ClinVar:

ClinVar aggregate classification (germline): Uncertain significance (1 of 4 stars; one submission).

Conditions:
Neuroblastoma, susceptibility to, 3. Also called: ALK-Related Neuroblastic Tumor Susceptibility. Identifiers: Orphanet 635, MedGen C2751681, MONDO:0013083, OMIM 613014.

Submission:

Labcorp Genetics (formerly Invitae), Labcorp
Classification: Uncertain significance for Neuroblastoma, susceptibility to, 3. Last evaluated: 2023-08-28. Review status: criteria provided, single submitter. Criteria: Invitae Variant Classification Sherloc (09022015). Collection method: clinical testing. Allele origin: germline.
Comment: In summary, the available evidence is currently insufficient to determine the role of this variant in disease. Therefore, it has been classified as a Variant of Uncertain Significance. An algorithm developed to predict the effect of missense changes on protein structure and function (PolyPhen-2) suggests that this variant is likely to be disruptive. This variant has not been reported in the literature in individuals affected with ALK-related conditions. This variant is not present in population databases (gnomAD no frequency). This sequence change replaces glycine, which is neutral and non-polar, with glutamic acid, which is acidic and polar, at codon 692 of the ALK protein (p.Gly692Glu).

NM_004304.5(ALK):c.2075G>A (p.Gly692Glu)

Gene: ALK (ALK receptor tyrosine kinase; minus strand). Cytogenetic location: 2p23.2.
Variant type: single nucleotide variant.
Coding change: c.2075G>A on transcript NM_004304.5 (MANE Select); coding-DNA position 2075, G replaced by A.
Protein change: p.Gly692Glu; replaces glycine 692 with glutamic acid.
Molecular consequence: missense variant.
Genome position (GRCh38, 1-based): chr2:29,251,234, C>T on the plus strand (G>A on the coding strand, the complement: ALK is on the minus strand). VCF-style: chr2-29251234-C-T. GRCh37 (hg19) VCF-style: chr2-29474100-C-T.
Other names: short protein forms G692E.
Identifiers: ClinVar variation 2756052 (VCV002756052.3), dbSNP rs2148197606, ClinGen allele CA346477143.